The following is an entry in ClinVar:

NM_173630.4(RTTN):c.2481+6T>C

Gene: RTTN (rotatin; minus strand). Cytogenetic location: 18q22.2.
Variant type: single nucleotide variant.
Coding change: c.2481+6T>C on transcript NM_173630.4 (MANE Select); 6 bases into the intron after coding-DNA position 2481, T replaced by C.
Molecular consequence: intron variant.
Genome position (GRCh38, 1-based): chr18:70,145,606, A>G on the plus strand (T>C on the coding strand, the complement: RTTN is on the minus strand). VCF-style: chr18-70145606-A-G. GRCh37 (hg19) VCF-style: chr18-67812842-A-G.
Other names: c.-167+6T>C (NM_001318520.2).
Identifiers: ClinVar variation 1485533 (VCV001485533.5), dbSNP rs367787928, ClinGen allele CA301923128.

ClinVar aggregate classification (germline): Uncertain significance (1 of 4 stars; one submission).

Allele frequency attached by ClinVar (database versions not stated): gnomAD exomes below 0.00001 and 0.00001; TOPMed 0.00001; ESP Exome Variant Server 0.00008.
gnomAD v4.1: 7 of 1,574,518 alleles (0.00044%); highest among the groups gnomAD compares: Non-Finnish European, 0.0006%; no homozygotes.

Submission:

Labcorp Genetics (formerly Invitae), Labcorp
Classification: Uncertain significance. Last evaluated: 2021-03-22. Review status: criteria provided, single submitter. Criteria: Invitae Variant Classification Sherloc (09022015). Collection method: clinical testing. Allele origin: germline.
Comment: Nucleotide substitutions within the consensus splice site are a relatively common cause of aberrant splicing (PMID: 17576681, 9536098). Algorithms developed to predict the effect of sequence changes on RNA splicing suggest that this variant is not likely to affect RNA splicing, but this prediction has not been confirmed by published transcriptional studies. In summary, the available evidence is currently insufficient to determine the role of this variant in disease. Therefore, it has been classified as a Variant of Uncertain Significance. This variant has not been reported in the literature in individuals with RTTN-related conditions. This variant is not present in population databases (ExAC no frequency). This sequence change falls in intron 18 of the RTTN gene. It does not directly change the encoded amino acid sequence of the RTTN protein. It affects a nucleotide within the consensus splice site of the intron.

Literature cited by the submitters: PubMed 17576681; PubMed 9536098.